The following is an entry in ClinVar:

NM_007294.4(BRCA1):c.2723A>C (p.Glu908Ala)

Gene: BRCA1 (BRCA1 DNA repair associated; minus strand). Cytogenetic location: 17q21.31.
Variant type: single nucleotide variant.
Coding change: c.2723A>C on transcript NM_007294.4 (MANE Select); coding-DNA position 2723, A replaced by C.
Protein change: p.Glu908Ala; replaces glutamic acid 908 with alanine.
Molecular consequence: missense variant. On other transcripts: intron variant (137).
Genome position (GRCh38, 1-based): chr17:43,092,808, T>G on the plus strand (A>C on the coding strand, the complement: BRCA1 is on the minus strand). VCF-style: chr17-43092808-T-G. GRCh37 (hg19) VCF-style: chr17-41244825-T-G.
Other names: c.2597A>C, p.Glu866Ala (NM_001407690.1, NM_001407691.1, NM_001407940.1 and 11 more transcripts); c.2582A>C, p.Glu861Ala (NM_001407692.1, NM_001407694.1, NM_001407695.1 and 29 more transcripts); c.2579A>C, p.Glu860Ala (NM_001407740.1, NM_001407741.1, NM_001407742.1 and 20 more transcripts); c.2510A>C, p.Glu837Ala (NM_001407853.1, NM_001407894.1, NM_001407895.1 and 9 more transcripts); c.2723A>C, p.Glu908Ala (NM_001407854.1, NM_001407858.1, NM_001407859.1 and 30 more transcripts); c.2720A>C, p.Glu907Ala (NM_001407860.1, NM_001407861.1, NM_001407587.1 and 22 more transcripts); c.2522A>C, p.Glu841Ala (NM_001407862.1); c.2600A>C, p.Glu867Ala (NM_001407863.1, NM_001407919.1, NM_001407937.1 and 19 more transcripts); and 41 more; short protein forms E908A, E861A, E612A, E740A, E780A, E797A, E838A, E840A.
Identifiers: ClinVar variation 491052 (VCV000491052.15), dbSNP rs1064794969, ClinGen allele CA10596548.

ClinVar aggregate classification (germline): Conflicting classifications of pathogenicity. Review status: criteria provided, conflicting classifications (1 of 4 stars). 5 submissions from 5 submitters: Uncertain significance (4); Likely benign (1). Last evaluated 2025-07-17.

Conditions:
Hereditary breast ovarian cancer syndrome. Also called: Breast and ovarian cancer; Hereditary breast and/or ovarian cancer syndrome; Hereditary breast and ovarian cancer; Hereditary breast and ovarian cancer syndrome (HBOC); BRCA1- and BRCA2-Associated Hereditary Breast and Ovarian Cancer; Hereditary breast and ovarian cancer syndrome. Identifiers: Orphanet 145, MedGen C0677776, MeSH D061325, MONDO:0003582. Disease mechanism: loss of function.
Hereditary cancer-predisposing syndrome. Also called: Hereditary Cancer Syndrome; Neoplastic Syndromes, Hereditary; Tumor predisposition; Hereditary neoplastic syndrome. Identifiers: Orphanet 140162, MedGen C0027672, MeSH D009386, MONDO:0015356.

Submissions (5):

Labcorp Genetics (formerly Invitae), Labcorp
Classification: Uncertain significance for Hereditary breast ovarian cancer syndrome. Last evaluated: 2025-07-17. Review status: criteria provided, single submitter. Criteria: Invitae Variant Classification Sherloc (09022015). Collection method: clinical testing. Allele origin: germline.
Comment: This sequence change replaces glutamic acid, which is acidic and polar, with alanine, which is neutral and non-polar, at codon 908 of the BRCA1 protein (p.Glu908Ala). This variant is not present in population databases (gnomAD no frequency). This variant has not been reported in the literature in individuals affected with BRCA1-related conditions. ClinVar contains an entry for this variant (Variation ID: 491052). Invitae Evidence Modeling of protein sequence and biophysical properties (such as structural, functional, and spatial information, amino acid conservation, physicochemical variation, residue mobility, and thermodynamic stability) indicates that this missense variant is expected to disrupt BRCA1 protein function with a positive predictive value of 80%. In summary, the available evidence is currently insufficient to determine the role of this variant in disease. Therefore, it has been classified as a Variant of Uncertain Significance.

Ambry Genetics
Classification: Uncertain significance for Hereditary cancer-predisposing syndrome. Last evaluated: 2023-11-01. Review status: criteria provided, single submitter. Criteria: Ambry Variant Classification Scheme 2023. Collection method: clinical testing. Allele origin: germline.
Comment: The p.E908A variant (also known as c.2723A>C), located in coding exon 9 of the BRCA1 gene, results from an A to C substitution at nucleotide position 2723. The glutamic acid at codon 908 is replaced by alanine, an amino acid with dissimilar properties. This amino acid position is well conserved in available vertebrate species. In addition, the in silico prediction for this alteration is inconclusive. Since supporting evidence is limited at this time, the clinical significance of this alteration remains unclear.

University of Washington Department of Laboratory Medicine, University of Washington
Classification: Likely benign for Hereditary cancer-predisposing syndrome. Last evaluated: 2023-03-23. Review status: criteria provided, single submitter. Criteria: Dines et al. (Genet Med. 2020). Collection method: curation. Allele origin: germline.
Comment: Missense variant in a coldspot region where missense variants are very unlikely to be pathogenic (PMID:31911673).

BRCA1 coldspot (exon 11 using historical exon numbering). Reclassification based on statistical prior probability

Quest Diagnostics Nichols Institute San Juan Capistrano
Classification: Uncertain significance. Last evaluated: 2020-03-25. Review status: criteria provided, single submitter. Criteria: Quest Diagnostics criteria. Collection method: clinical testing. Allele origin: unknown.

Color Diagnostics, LLC DBA Color Health
Classification: Uncertain significance for Hereditary cancer-predisposing syndrome. Last evaluated: 2020-02-03. Review status: criteria provided, single submitter. Criteria: ACMG Guidelines, 2015. Collection method: clinical testing. Allele origin: germline.
Comment: This missense variant replaces glutamic acid with alanine at codon 908 of the BRCA1 protein. Computational prediction suggests that this variant may not impact protein structure and function (internally defined REVEL score threshold <= 0.5, PMID: 27666373). Splice site prediction tools suggest that this variant may not impact RNA splicing. To our knowledge, functional studies have not been performed for this variant. This variant has not been reported in individuals affected with hereditary cancer in the literature. This variant has not been identified in the general population by the Genome Aggregation Database (gnomAD). The available evidence is insufficient to determine the role of this variant in disease conclusively. Therefore, this variant is classified as a Variant of Uncertain Significance.